The following is an entry in ClinVar:

ClinVar aggregate classification (germline): Likely benign. Review status: criteria provided, multiple submitters, no conflicts (2 of 4 stars). 7 submissions from 7 submitters: Likely benign (7). Last evaluated 2026-05-01.

Conditions:
Catecholaminergic polymorphic ventricular tachycardia (CVPT). Also called: Catecholamine-induced polymorphic ventricular tachycardia. Identifiers: Orphanet 3286, MedGen C5574922, MONDO:0017990.
Catecholaminergic polymorphic ventricular tachycardia 1. Also called: RYR2-Related Catecholaminergic Polymorphic Ventricular Tachycardia; VENTRICULAR TACHYCARDIA, STRESS-INDUCED POLYMORPHIC 1; VENTRICULAR TACHYCARDIA, CATECHOLAMINERGIC POLYMORPHIC, 1, WITH OR WITHOUT ATRIAL DYSFUNCTION AND/OR DILATED CARDIOMYOPATHY. Identifiers: Orphanet 3286, MedGen C1631597, MONDO:0011484, OMIM 604772.
Cardiomyopathy (CMYO). Also called: Cardiomyopathies. Identifiers: Orphanet 167848, MedGen C0878544, MONDO:0004994, HP:0001638. Inheritance: Various modes of inheritance.
Cardiovascular phenotype. Identifiers: MedGen CN230736.

Allele frequency attached by ClinVar (database versions not stated): gnomAD 0.00001; gnomAD exomes 0.00003; ExAC 0.00004; TOPMed 0.00004.
gnomAD v4.1: 40 of 1,612,070 alleles (0.0025%); highest among the groups gnomAD compares: Middle Eastern, 0.016%; no homozygotes.

Submissions (7):

CeGaT Center for Human Genetics Tuebingen
Classification: Likely benign. Last evaluated: 2026-05-01. Review status: criteria provided, single submitter. Criteria: CeGaT Center For Human Genetics Tuebingen Variant Classification Criteria Version 2. Collection method: clinical testing. Allele origin: germline. Affected: yes. Observed: 2 variant alleles.
Comment: RYR2: BP4, BP7

Labcorp Genetics (formerly Invitae), Labcorp
Classification: Likely benign for Catecholaminergic polymorphic ventricular tachycardia 1. Last evaluated: 2026-01-05. Review status: criteria provided, single submitter. Criteria: Invitae Variant Classification Sherloc (09022015). Collection method: clinical testing. Allele origin: germline.

Blueprint Genetics
Classification: Likely benign. Last evaluated: 2024-08-30. Review status: criteria provided, single submitter. Criteria: ACMG Guidelines, 2015. Collection method: clinical testing. Allele origin: germline.

All of Us Research Program, National Institutes of Health
Classification: Likely benign for Catecholaminergic polymorphic ventricular tachycardia. Last evaluated: 2023-12-13. Review status: criteria provided, single submitter. Criteria: ACMG Guidelines, 2015. Collection method: clinical testing. Allele origin: germline. Inheritance: Autosomal dominant inheritance. Observed: 16 variant alleles, 16 heterozygotes.
Comment: This study involves interpretation of variants in research participants for the purpose of population health screening. Participant phenotype was not available at the time of variant classification. Additional details can be found in publication PMID: 35346344, PMCID: PMC8962531

Ambry Genetics
Classification: Likely benign for Cardiovascular phenotype. Last evaluated: 2021-11-03. Review status: criteria provided, single submitter. Criteria: Ambry Variant Classification Scheme 2023. Collection method: clinical testing. Allele origin: germline.

Women's Health and Genetics/Laboratory Corporation of America, LabCorp
Classification: Likely benign. Last evaluated: 2019-06-28. Review status: criteria provided, single submitter. Criteria: LabCorp Variant Classification Summary - May 2015. Collection method: clinical testing. Allele origin: germline.

Color Diagnostics, LLC DBA Color Health
Classification: Likely benign for Cardiomyopathy. Last evaluated: 2018-10-21. Review status: criteria provided, single submitter. Criteria: ACMG Guidelines, 2015. Collection method: clinical testing. Allele origin: germline.

NM_001035.3(RYR2):c.4266A>G (p.Gln1422=)

Gene: RYR2 (ryanodine receptor 2; plus strand). Cytogenetic location: 1q43.
Variant type: single nucleotide variant.
Coding change: c.4266A>G on transcript NM_001035.3 (MANE Select); coding-DNA position 4266, A replaced by G.
Protein change: p.Gln1422=; no amino-acid change (glutamine 1422 retained).
Molecular consequence: synonymous variant.
Genome position (GRCh38, 1-based): chr1:237,591,844, A>G. VCF-style: chr1-237591844-A-G. GRCh37 (hg19) VCF-style: chr1-237755144-A-G.
Identifiers: ClinVar variation 927967 (VCV000927967.40), dbSNP rs759662492, ClinGen allele CA086570.
Genomic context (GRCh38, chr1:237,591,844, plus strand): 5'-TGCAAGACTCACCGAAGATGTCCTTGCTGATGATCGGGATGACTATGATTTCTTGATGCA[A>G]ACGTCCACGGTATGAGGTTGCAGCTTTTGTCGTTTATTTCTATCTGTCACTCATTATGTT-3'
Protein context (NP_001026.2, residues 1412-1432): DDRDDYDFLM[Gln1422=]TSTYYYSVRI